The following is an entry in ClinVar:

NM_001330195.2(NRXN3):c.2333C>G (p.Thr778Ser)

Gene: NRXN3 (neurexin 3; plus strand). Cytogenetic location: 14q31.1.
Variant type: single nucleotide variant.
Coding change: c.2333C>G on transcript NM_001330195.2 (MANE Select); coding-DNA position 2333, C replaced by G.
Protein change: p.Thr778Ser; replaces threonine 778 with serine.
Molecular consequence: missense variant. On other transcripts: non-coding transcript variant (4).
Genome position (GRCh38, 1-based): chr14:78,957,299, C>G. VCF-style: chr14-78957299-C-G. GRCh37 (hg19) VCF-style: chr14-79423642-C-G.
Other names: c.2333C>G, p.Thr778Ser (NM_001366425.1); c.2345C>G, p.Thr782Ser (NM_001366426.1); c.1214C>G, p.Thr405Ser (NM_004796.6); short protein forms T405S, T782S, T778S.
Identifiers: ClinVar variation 4999310 (VCV004999310.1).

ClinVar aggregate classification (germline): Uncertain significance (1 of 4 stars; one submission).

Conditions:
NRXN3-related disorder. Also called: NRXN3-related condition.

Submission:

PreventionGenetics, part of Exact Sciences
Classification: Uncertain significance for NRXN3-related condition. Last evaluated: 2025-04-03. Review status: criteria provided, single submitter. Criteria: ACMG Guidelines, 2015. Collection method: clinical testing. Allele origin: germline.
Comment: The NRXN3 c.1214C>G variant is predicted to result in the amino acid substitution p.Thr405Ser. To our knowledge, this variant has not been reported in the literature or in a large population database (gnomAD), indicating this variant is rare. At this time, the clinical significance of this variant is uncertain due to the absence of conclusive functional and genetic evidence.